The following is an entry in ClinVar:

ClinVar aggregate classification (germline): Benign. Review status: criteria provided, multiple submitters, no conflicts (2 of 4 stars). 13 submissions from 13 submitters: Benign (12). 1 of the submissions does not count toward it. Last evaluated 2026-02-04.

Conditions:
Alport syndrome. Also called: Hemorrhagic familial nephritis; Hemorrhagic hereditary nephritis; Congenital hereditary hematuria. Identifiers: Orphanet 63, MedGen C1567741, MONDO:0018965.
Autosomal recessive Alport syndrome (ATS2). Also called: ALPORT SYNDROME 2, AUTOSOMAL RECESSIVE; Alport syndrome type 2; COL4A4 Alport Syndrome and Thin Basement Membrane Nephropathy; COL4A3-Related Nephropathy. Identifiers: Orphanet 63, Orphanet 88919, MedGen C4746745, MONDO:0008762, OMIM 203780.

Allele frequency attached by ClinVar (database versions not stated): gnomAD exomes 0.43090 and 0.46737; ESP Exome Variant Server 0.46041; ExAC 0.46570; gnomAD 0.47874 and 0.48006; TOPMed 0.48244; 1000 Genomes Project 0.51438; 1000 Genomes Project 30x 0.51562.
gnomAD v4.1: 702,802 of 1,613,496 alleles (44%); highest among the groups gnomAD compares: African/African-American, 60%; 156,375 homozygotes.

Submissions (13):

Labcorp Genetics (formerly Invitae), Labcorp
Classification: Benign. Last evaluated: 2026-02-04. Review status: criteria provided, single submitter. Criteria: Invitae Variant Classification Sherloc (09022015). Collection method: clinical testing. Allele origin: germline.

Women's Health and Genetics/Laboratory Corporation of America, LabCorp
Classification: Benign. Last evaluated: 2024-11-29. Review status: criteria provided, single submitter. Criteria: LabCorp Variant Classification Summary - May 2015. Collection method: clinical testing. Allele origin: germline.

Blueprint Genetics
Classification: Benign. Last evaluated: 2024-11-26. Review status: criteria provided, single submitter. Criteria: ACMG Guidelines, 2015. Collection method: clinical testing. Allele origin: germline.

Unidad de Genómica Garrahan, Hospital de Pediatría Garrahan
Classification: Benign. Last evaluated: 2024-07-15. Review status: criteria provided, single submitter. Criteria: ACMG Guidelines, 2015. Collection method: clinical testing. Allele origin: germline. Affected: no. Observed: 65 variant alleles.
Comment: This variant is classified as Benign based on local population frequency. This variant was detected in 70% of patients studied in a panel designed for Epileptic and Developmental Encephalopathy and Progressive Myoclonus Epilepsy. Number of patients: 65. Only high quality variants are reported.

Mayo Clinic Laboratories, Mayo Clinic
Classification: Benign. Last evaluated: 2022-03-09. Review status: criteria provided, single submitter. Criteria: ACMG Guidelines, 2015. Collection method: clinical testing. Allele origin: germline. Observed: 253 variant alleles.

Genome-Nilou Lab
Classification: Benign for Autosomal recessive Alport syndrome. Last evaluated: 2021-07-30. Review status: criteria provided, single submitter. Criteria: ACMG Guidelines, 2015. Collection method: clinical testing. Allele origin: germline. Affected: no.

Illumina Laboratory Services, Illumina
Classification: Benign for Alport syndrome. Last evaluated: 2018-01-12. Review status: criteria provided, single submitter. Criteria: ICSL Variant Classification Criteria 13 December 2019. Collection method: clinical testing. Allele origin: germline.
Comment: This variant was observed in the ICSL laboratory as part of a predisposition screen in an ostensibly healthy population. It had not been previously curated by ICSL or reported in the Human Gene Mutation Database (HGMD: prior to June 1st, 2018), and was therefore a candidate for classification through an automated scoring system. Utilizing variant allele frequency, disease prevalence and penetrance estimates, and inheritance mode, an automated score was calculated to assess if this variant is too frequent to cause the disease. Based on the score and internal cut-off values, a variant classified as benign is not then subjected to further curation. The score for this variant resulted in a classification of benign for this disease.

GeneDx
Classification: Benign. Last evaluated: 2017-05-09. Review status: criteria provided, single submitter. Criteria: GeneDx Variant Classification (06012015). Collection method: clinical testing. Allele origin: germline. Affected: yes.
Comment: This variant is considered likely benign or benign based on one or more of the following criteria: it is a conservative change, it occurs at a poorly conserved position in the protein, it is predicted to be benign by multiple in silico algorithms, and/or has population frequency not consistent with disease.

Athena Diagnostics
Classification: Benign. Last evaluated: 2017-04-03. Review status: criteria provided, single submitter. Criteria: Athena Diagnostics Criteria. Collection method: clinical testing. Allele origin: germline.

Laboratory for Molecular Medicine, Mass General Brigham Personalized Medicine
Classification: Benign. Last evaluated: 2016-03-21. Review status: criteria provided, single submitter. Criteria: LMM Criteria. Collection method: clinical testing. Allele origin: germline. Observed: 192 variant alleles.
Comment: p.Phe1644Phe in exon 48 of COL4A4: This variant is not expected to have clinical significance because it does not alter an amino acid residue, is not located wi thin the splice consensus sequence, and has been identified in 63.69% (842/1322) of African chromosomes by the 1000 Genomes Project (Phase 3; dbSNP rs2228557).

Breakthrough Genomics
Classification: Benign. Review status: criteria provided, single submitter. Criteria: ACMG Guidelines, 2015. Collection method: not provided. Allele origin: germline. Inheritance: Autosomal recessive inheritance. Affected: yes.

PreventionGenetics, part of Exact Sciences
Classification: Benign. Review status: criteria provided, single submitter. Criteria: ACMG Guidelines, 2015. Collection method: clinical testing. Allele origin: germline.

Natera, Inc.
Classification: Benign for Alport syndrome. Last evaluated: 2020-09-16. Review status: no assertion criteria provided. Collection method: clinical testing. Allele origin: germline. Not counted in ClinVar's aggregate classification.

NM_000092.5(COL4A4):c.4932C>T (p.Phe1644=)

Gene: COL4A4 (collagen type IV alpha 4 chain; minus strand). Cytogenetic location: 2q36.3.
Variant type: single nucleotide variant.
Coding change: c.4932C>T on transcript NM_000092.5 (MANE Select); coding-DNA position 4932, C replaced by T.
Protein change: p.Phe1644=; no amino-acid change (phenylalanine 1644 retained).
Molecular consequence: synonymous variant.
Genome position (GRCh38, 1-based): chr2:227,007,466, G>A on the plus strand (C>T on the coding strand, the complement: COL4A4 is on the minus strand). VCF-style: chr2-227007466-G-A. GRCh37 (hg19) VCF-style: chr2-227872182-G-A.
Other names: p.Phe1644=.
Identifiers: ClinVar variation 255043 (VCV000255043.27), dbSNP rs2228557, ClinGen allele CA2144018.
Genomic context (GRCh38, chr2:227,007,466, plus strand): 5'-AGCAGAGGAAAACTGCAAGTCTGCTTTCACCGTTGTGAGCCAGAAGCTATACTTATTTGC[G>A]AAAAAGTGGCAAGTTCCCTGCCGGCCCTGGCATTCAAGGAATGGTGCTGCTCTGAAATCT-3'
Protein context (NP_000083.3, residues 1634-1654): CQGRQGTCHF[Phe1644=]ANKYSFWLTT